The following is an entry in ClinVar:

ClinVar aggregate classification (germline): Pathogenic. Review status: criteria provided, multiple submitters, no conflicts (2 of 4 stars). 7 submissions from 7 submitters: Pathogenic (7). Last evaluated 2024-09-10.

Conditions:
Inborn genetic diseases. Identifiers: MedGen C0950123, MeSH D030342.
CHD7-related disorder. Also called: CHD7-related condition.
CHARGE syndrome (CHARGE). Also called: Hittner Hirsch Kreh syndrome; Coloboma, heart anomaly, choanal atresia, retardation, genital and ear anomalies; CHARGE association; Hall-Hittner syndrome; CHARGE ASSOCIATION--COLOBOMA, HEART ANOMALY, CHOANAL ATRESIA, RETARDATION, GENITAL AND EAR ANOMALIES. Identifiers: Orphanet 138, MedGen C0265354, MONDO:0008965.
Hypogonadotropic hypogonadism 5 with or without anosmia (KAL5). Also called: HYPOGONADOTROPIC HYPOGONADISM 5 WITH ANOSMIA; HYPOGONADOTROPHIC HYPOGONADISM 5 WITHOUT ANOSMIA; CHD7-Related GnRH Deficiency (Kallmann Syndrome 5). Identifiers: Orphanet 478, MedGen C3552553, MONDO:0012880, OMIM 612370. Disease mechanism: loss of function.
CHD7-related CHARGE syndrome. Identifiers: MedGen CN380413, MONDO:1010178, OMIM 214800.

Submissions (7):

Labcorp Genetics (formerly Invitae), Labcorp
Classification: Pathogenic for CHARGE syndrome. Last evaluated: 2024-09-10. Review status: criteria provided, single submitter. Criteria: Invitae Variant Classification Sherloc (09022015). Collection method: clinical testing. Allele origin: germline.
Comment: This sequence change replaces glycine, which is neutral and non-polar, with serine, which is neutral and polar, at codon 1684 of the CHD7 protein (p.Gly1684Ser). This variant also falls at the last nucleotide of exon 22, which is part of the consensus splice site for this exon. This variant is not present in population databases (gnomAD no frequency). This missense change has been observed in individual(s) with clinical features of CHARGE syndrome (PMID: 22461308, 22462537, 25077900, 27562378). In at least one individual the variant was observed to be de novo. ClinVar contains an entry for this variant (Variation ID: 520773). An algorithm developed to predict the effect of missense changes on protein structure and function (PolyPhen-2) suggests that this variant is likely to be disruptive. Variants that disrupt the consensus splice site are a relatively common cause of aberrant splicing (PMID: 17576681, 9536098). Algorithms developed to predict the effect of sequence changes on RNA splicing suggest that this variant may disrupt the consensus splice site. For these reasons, this variant has been classified as Pathogenic.

Blueprint Genetics
Classification: Pathogenic for CHD7-related disorders. Last evaluated: 2023-10-13. Review status: criteria provided, single submitter. Criteria: ACMG Guidelines, 2015. Collection method: clinical testing. Allele origin: germline. Affected: yes. Observed: 5 variant alleles.

Clinical Genetics Laboratory, Skane University Hospital Lund
Classification: Pathogenic. Last evaluated: 2022-07-13. Review status: criteria provided, single submitter. Criteria: ACMG Guidelines, 2015. Collection method: clinical testing. Allele origin: germline. Affected: yes.

GeneDx
Classification: Pathogenic. Last evaluated: 2021-12-11. Review status: criteria provided, single submitter. Criteria: GeneDx Variant Classification Process June 2021. Collection method: clinical testing. Allele origin: germline. Affected: yes.
Comment: Not observed in large population cohorts (Lek et al., 2016); In silico analysis supports that this missense variant has a deleterious effect on protein structure/function; In-silico analysis is inconclusive as to whether the variant alters gene splicing. In the absence of RNA/functional studies, the actual effect of this sequence change is unknown.; This variant is associated with the following publications: (PMID: 18089695, 22539353, 28566479, 28475860, 27562378, 25077900, 32326958, 22462537)

Ambry Genetics
Classification: Pathogenic for Inborn genetic diseases. Last evaluated: 2015-09-25. Review status: criteria provided, single submitter. Criteria: Ambry exome assertion method (8-5-2015). Collection method: clinical testing. Allele origin: germline. Affected: yes. Observed: 1 variant allele.

Clinical Genetics Service, Universitary Hospital 12 de Octubre
Classification: Pathogenic for CHD7-related CHARGE syndrome. Review status: criteria provided, single submitter. Criteria: ACMG Guidelines, 2015. Collection method: clinical testing. Allele origin: germline. Affected: yes.

Juno Genomics, Hangzhou Juno Genomics, Inc
Classification: Pathogenic for CHD7-related CHARGE syndrome; Hypogonadotropic hypogonadism 5 with or without anosmia. Review status: criteria provided, single submitter. Criteria: ACMG Guidelines, 2015. Collection method: clinical testing. Allele origin: germline. Affected: yes.
Comment: Absent from controls (or at extremely low frequency if recessive) in Genome Aggregation Database.;Multiple lines of computational evidence support a deleterious effect on the gene or gene product.;Missense variant in a gene that has a low rate of benign missense variation.;The prevalence of the variant in affected individuals is significantly increased compared to the prevalence in controls.;Patient's phenotype or family history is highly specific for a disease with a single genetic etiology.;De novo (both maternity and paternity confirmed) in a patient with the disease and no family history.

Literature cited by the submitters: PubMed 22461308 (cited by Labcorp Genetics (formerly Invitae), Labcorp); PubMed 22462537 (cited by Labcorp Genetics (formerly Invitae), Labcorp); PubMed 25077900 (cited by Labcorp Genetics (formerly Invitae), Labcorp); PubMed 27562378 (cited by Labcorp Genetics (formerly Invitae), Labcorp); PubMed 17576681 (cited by Labcorp Genetics (formerly Invitae), Labcorp); PubMed 9536098 (cited by Labcorp Genetics (formerly Invitae), Labcorp).

NM_017780.4(CHD7):c.5050G>A (p.Gly1684Ser)

Gene: CHD7 (chromodomain helicase DNA binding protein 7; plus strand). Cytogenetic location: 8q12.2.
Variant type: single nucleotide variant.
Coding change: c.5050G>A on transcript NM_017780.4 (MANE Select); coding-DNA position 5050, G replaced by A.
Protein change: p.Gly1684Ser; replaces glycine 1684 with serine.
Molecular consequence: missense variant. On other transcripts: intron variant (1).
Genome position (GRCh38, 1-based): chr8:60,845,063, G>A. VCF-style: chr8-60845063-G-A. GRCh37 (hg19) VCF-style: chr8-61757622-G-A.
Other names: c.1717-17166G>A (NM_001316690.1); short protein forms G1684S.
Identifiers: ClinVar variation 520773 (VCV000520773.19), dbSNP rs1554602465, ClinGen allele CA371320188.